The following is an entry in ClinVar:

ClinVar aggregate classification (germline): Benign (0 of 4 stars; one submission).

Conditions:
CNTNAP5-related disorder. Also called: CNTNAP5-related condition.

Allele frequency attached by ClinVar (database versions not stated): TOPMed 0.00035; gnomAD 0.00037; ESP Exome Variant Server 0.00041.
gnomAD v4.1: 596 of 1,612,436 alleles (0.037%); highest among the groups gnomAD compares: Admixed American, 0.02%; 9 homozygotes.

Submission:

PreventionGenetics, part of Exact Sciences
Classification: Benign for CNTNAP5-related condition. Last evaluated: 2019-07-10. Review status: no assertion criteria provided. Collection method: clinical testing. Allele origin: germline.
Comment: This variant is classified as benign based on ACMG/AMP sequence variant interpretation guidelines (Richards et al. 2015 PMID: 25741868, with internal and published modifications).

NM_001367498.1(CNTNAP5):c.3786C>T (p.Phe1262=)

Gene: CNTNAP5 (contactin associated protein family member 5; plus strand). Cytogenetic location: 2q14.3.
Variant type: single nucleotide variant.
Coding change: c.3786C>T on transcript NM_001367498.1 (MANE Select); coding-DNA position 3786, C replaced by T.
Protein change: p.Phe1262=; no amino-acid change (phenylalanine 1262 retained).
Molecular consequence: synonymous variant.
Genome position (GRCh38, 1-based): chr2:124,914,150, C>T. VCF-style: chr2-124914150-C-T. GRCh37 (hg19) VCF-style: chr2-125671727-C-T.
Other names: c.3783C>T, p.Phe1261= (NM_130773.4).
Identifiers: ClinVar variation 3049333 (VCV003049333.2), dbSNP rs200688462, ClinGen allele CA1856534.